The following is an entry in ClinVar:

NM_003060.4(SLC22A5):c.1175TGC[2] (p.Leu394del)

Gene: SLC22A5 (solute carrier family 22 member 5; plus strand). Cytogenetic location: 5q31.1.
Variant type: Microsatellite.
Coding change: c.1175TGC[2] on transcript NM_003060.4 (MANE Select); two copies in a row of the 3-base unit TGC starting at c.1175; the reference has three copies in a row; one copy, 3 bases deleted; also written c.1181_1183del.
Protein change: p.Leu394del; deletes leucine 394.
Molecular consequence: inframe deletion.
Genome position (GRCh38, 1-based): chr5:132,390,818-132,390,820, TGC deleted; deleting any 3 consecutive bases within chr5:132,390,810-132,390,820 gives the same sequence; the position shown is the placement nearest the transcript's 3' end. VCF-style (leftmost placement, unchanged base first): chr5-132390809-GGCT-G. GRCh37 (hg19) VCF-style: chr5-131726501-GGCT-G.
Other names: c.1181_1183del (NM_003060.3, NM_003060.4); c.1247TGC[2], p.Leu418del (NM_001308122.2); c.1181_1183delTGC (NM_003060.4); c.1173_1175del (NM_003060.4); short protein forms L394del, L418del.
Identifiers: ClinVar variation 25410 (VCV000025410.28), dbSNP rs386134215, ClinGen allele CA312972.

ClinVar aggregate classification (germline): Conflicting classifications of pathogenicity. Review status: criteria provided, conflicting classifications (1 of 4 stars). 10 submissions from 10 submitters: Pathogenic (4); Likely pathogenic (5); Uncertain significance (1). Last evaluated 2026-02-06.

Conditions:
Carnitine deficiency. Identifiers: MedGen C1142132.
SLC22A5-related disorder. Also called: SLC22A5-related condition.
Renal carnitine transport defect (CDSP). Also called: Carnitine Deficiency, Systemic; CARNITINE DEFICIENCY, SYSTEMIC, DUE TO DEFECT IN RENAL REABSORPTION OF CARNITINE; CARNITINE TRANSPORTER, PLASMA-MEMBRANE, DEFICIENCY OF; CARNITINE UPTAKE DEFECT; Systemic primary carnitine deficiency; Primary carnitine deficiency. Identifiers: Orphanet 158, MedGen C0342788, MONDO:0008919, OMIM 212140.

Submissions (10):

PreventionGenetics, part of Exact Sciences
Classification: Pathogenic for SLC22A5-related condition. Last evaluated: 2026-02-06. Review status: criteria provided, single submitter. Criteria: ACMG Guidelines, 2015. Collection method: clinical testing. Allele origin: germline.
Comment: The SLC22A5 c.1181_1183delTGC variant is predicted to result in an in-frame deletion (p.Leu394del). This variant has been reported, in the homozygous state or heterozygous with a second SLC22A5 variant, in individuals with systemic primary carnitine deficiency (Echaniz-Laguna et al. 2018. PubMed ID: 29895548; Frigeni et al 2017. PubMed ID: 28841266). In a functional study using CHO cells, the p.Leu394del change reduced carnitine transport to ~5% of wild-type (Frigeni et al 2017. PubMed ID: 28841266). In summary, we categorize the c.1181_1183del variant as pathogenic.

Labcorp Genetics (formerly Invitae), Labcorp
Classification: Pathogenic for Renal carnitine transport defect. Last evaluated: 2026-01-20. Review status: criteria provided, single submitter. Criteria: Invitae Variant Classification Sherloc (09022015). Collection method: clinical testing. Allele origin: germline.
Comment: This variant, c.1181_1183del, results in the deletion of 1 amino acid(s) of the SLC22A5 protein (p.Leu394del), but otherwise preserves the integrity of the reading frame. This variant is present in population databases (rs762932965, gnomAD 0.009%). This variant has been observed in individual(s) with primary carnitine deficiency (PMID: 26828774, 28841266, 29895548; internal data). In at least one individual the data is consistent with being in trans (on the opposite chromosome) from a pathogenic variant. ClinVar contains an entry for this variant (Variation ID: 25410). Experimental studies and prediction algorithms are not available or were not evaluated, and the functional significance of this variant is currently unknown. For these reasons, this variant has been classified as Pathogenic.

Natera, Inc.
Classification: Likely pathogenic for Carnitine deficiency. Last evaluated: 2025-09-30. Review status: criteria provided, single submitter. Criteria: Natera Variant Classification Schema (03/2026). Collection method: clinical testing. Allele origin: germline.
Comment: The c.1181_1183delTGC variant in SLC22A5 is an in-frame deletion predicted to remove leucine at amino acid 394 while preserving the reading frame. This variant is rare in the general population with a frequency below the threshold expected for the associated phenotype(s). This variant has been observed in one or more individuals affected with the associated recessive disease, as either homozygous or compound heterozygous with a second variant (PMID: 29895548, 28841266). Functional studies show that this variant may disrupt protein function (PMID: 29895548). Computational prediction algorithms indicate this variant is likely to affect gene or protein function. Given the available evidence, this variant is classified as Likely Pathogenic.

First Genomix Gene Laboratory, Genetic Diagnostics Department
Classification: Pathogenic for Renal carnitine transport defect. Last evaluated: 2025-08-05. Review status: criteria provided, single submitter. Criteria: ACMG Guidelines, 2015. Collection method: clinical testing. Allele origin: germline. Inheritance: Autosomal recessive inheritance. Affected: no. Observed: 1 variant allele.

Revvity Omics, Revvity
Classification: Likely pathogenic for Renal carnitine transport defect. Last evaluated: 2024-07-05. Review status: criteria provided, single submitter. Criteria: ACMG Guidelines, 2015. Collection method: clinical testing. Allele origin: germline.

Fulgent Genetics
Classification: Likely pathogenic for Renal carnitine transport defect. Last evaluated: 2024-03-12. Review status: criteria provided, single submitter. Criteria: ACMG Guidelines, 2015. Collection method: clinical testing. Allele origin: germline.

Blueprint Genetics
Classification: Uncertain significance. Last evaluated: 2023-03-28. Review status: criteria provided, single submitter. Criteria: ACMG Guidelines, 2015. Collection method: clinical testing. Allele origin: germline.

Women's Health and Genetics/Laboratory Corporation of America, LabCorp
Classification: Likely pathogenic for Renal carnitine transport defect. Last evaluated: 2022-02-16. Review status: criteria provided, single submitter. Criteria: LabCorp Variant Classification Summary - May 2015. Collection method: clinical testing. Allele origin: germline.
Comment: Variant summary: SLC22A5 c.1181_1183delTGC (p.Leu394del) results in an in-frame deletion that is predicted to remove one amino acid from the encoded protein. The variant allele was found at a frequency of 1.6e-05 in 251484 control chromosomes. c.1181_1183delTGC has been reported in the literature in individuals affected with Systemic Primary Carnitine Deficiency (Frigeni_2017, Echaniz-Laguna_2018). These data indicate that the variant may be associated with disease. At least one publication reports experimental evidence evaluating an impact on protein function. The most pronounced variant effect results in <10% of normal activity (Frigeni_2017). Three clinical diagnostic laboratories have submitted clinical-significance assessments for this variant to ClinVar after 2014 without evidence for independent evaluation. All laboratories classified the variant as pathogenic/likely pathogenic. Based on the evidence outlined above, the variant was classified as likely pathogenic.

Genome-Nilou Lab
Classification: Likely pathogenic for Renal carnitine transport defect. Last evaluated: 2021-07-15. Review status: criteria provided, single submitter. Criteria: ACMG Guidelines, 2015. Collection method: clinical testing. Allele origin: germline. Affected: no.

GeneDx
Classification: Pathogenic. Last evaluated: 2021-01-18. Review status: criteria provided, single submitter. Criteria: GeneDx Variant Classification Process June 2021. Collection method: clinical testing. Allele origin: germline. Affected: yes.
Comment: Observed in the homozygous state in patients with primary carnitine deficiency referred for genetic testing at GeneDx and in the literature (PMID: 29895548); Published functional studies in CHO cells demonstrate a damaging effect on protein function (PMID: 28841266); In-frame deletion of 1 amino acid in a non-repeat region; Not observed at a significant frequency in large population cohorts (gnomAD); In silico analysis supports that this variant has a deleterious effect on protein structure/function; This variant is associated with the following publications: (PMID: 28841266, 26828774, 32778825, 29895548)

Literature cited by the submitters: PubMed 26828774 (cited by Labcorp Genetics (formerly Invitae), Labcorp and Women's Health and Genetics/Laboratory Corporation of America, LabCorp); PubMed 28841266 (cited by 3 submitters); PubMed 29895548 (cited by 3 submitters).